The following is an entry in ClinVar:

NM_152296.5(ATP1A3):c.1991C>T (p.Thr664Ile)

Gene: ATP1A3 (ATPase Na+/K+ transporting subunit alpha 3; minus strand). Cytogenetic location: 19q13.2.
Variant type: single nucleotide variant.
Coding change: c.1991C>T on transcript NM_152296.5 (MANE Select); coding-DNA position 1991, C replaced by T.
Protein change: p.Thr664Ile; replaces threonine 664 with isoleucine.
Molecular consequence: missense variant.
Genome position (GRCh38, 1-based): chr19:41,976,519, G>A on the plus strand (C>T on the coding strand, the complement: ATP1A3 is on the minus strand). VCF-style: chr19-41976519-G-A. GRCh37 (hg19) VCF-style: chr19-42480671-G-A.
Other names: c.2024C>T, p.Thr675Ile (NM_001256213.2); c.2030C>T, p.Thr677Ile (NM_001256214.2); short protein forms T675I, T677I, T664I.
Identifiers: ClinVar variation 4709075 (VCV004709075.1).
Genomic context (GRCh38, chr19:41,976,519, plus strand): 5'-GATGTGCGGGCGAAGACGATCTCGGTGTGATTCTGCAGGATCTCGTCGATTTGCTCGGAG[G>A]TGAAGTCCTTGAGGTCGGTGCCGTGGATCACGCAGGCCTTGGCATCCCTGGGAAGAGCAG-3'
Protein context (NP_689509.1, residues 654-674): VIHGTDLKDF[Thr664Ile]SEQIDEILQN

ClinVar aggregate classification (germline): Uncertain significance (1 of 4 stars; one submission).

Conditions:
Dystonia 12 (DYT12). Also called: DYT-ATP1A3; Rapid-Onset Dystonia-Parkinsonism (RDP). Identifiers: Orphanet 71517, MedGen C1868681, MONDO:0007496, OMIM 128235.

gnomAD v4.1: 1 of 1,614,186 alleles (0.000062%); highest among the groups gnomAD compares: Non-Finnish European, 0.000085%; no homozygotes.

Submission:

Labcorp Genetics (formerly Invitae), Labcorp
Classification: Uncertain significance for Dystonia 12. Last evaluated: 2025-12-21. Review status: criteria provided, single submitter. Criteria: Invitae Variant Classification Sherloc (09022015). Collection method: clinical testing. Allele origin: germline.
Comment: This sequence change replaces threonine, which is neutral and polar, with isoleucine, which is neutral and non-polar, at codon 664 of the ATP1A3 protein (p.Thr664Ile). This variant is not present in population databases (gnomAD no frequency). This variant has not been reported in the literature in individuals affected with ATP1A3-related conditions. Invitae Evidence Modeling of protein sequence and biophysical properties (such as structural, functional, and spatial information, amino acid conservation, physicochemical variation, residue mobility, and thermodynamic stability) indicates that this missense variant is not expected to disrupt ATP1A3 protein function with a negative predictive value of 95%. In summary, the available evidence is currently insufficient to determine the role of this variant in disease. Therefore, it has been classified as a Variant of Uncertain Significance.